The following is an entry in ClinVar:

ClinVar aggregate classification (germline): Likely benign (1 of 4 stars; one submission).

Allele frequency attached by ClinVar (database versions not stated): TOPMed 0.00015; gnomAD exomes 0.00021; ESP Exome Variant Server 0.00023; gnomAD 0.00027; ExAC 0.00029.
gnomAD v4.1: 346 of 1,613,752 alleles (0.021%); highest among the groups gnomAD compares: Non-Finnish European, 0.013%; 1 homozygote.

Submission:

CeGaT Center for Human Genetics Tuebingen
Classification: Likely benign. Last evaluated: 2023-08-01. Review status: criteria provided, single submitter. Criteria: CeGaT Center For Human Genetics Tuebingen Variant Classification Criteria Version 2. Collection method: clinical testing. Allele origin: germline. Affected: yes. Observed: 1 variant allele.
Comment: PRND: BP4

NM_012409.4(PRND):c.-2C>T

Gene: PRND (prion like protein doppel; plus strand). Cytogenetic location: 20p13.
Variant type: single nucleotide variant.
Coding change: c.-2C>T on transcript NM_012409.4 (MANE Select); 2 bases upstream of the start codon, C replaced by T.
Molecular consequence: 5 prime UTR variant.
Genome position (GRCh38, 1-based): chr20:4,724,550, C>T. VCF-style: chr20-4724550-C-T. GRCh37 (hg19) VCF-style: chr20-4705196-C-T.
Identifiers: ClinVar variation 2652194 (VCV002652194.24), dbSNP rs147565180, ClinGen allele CA9752166.